The following is an entry in ClinVar:

ClinVar aggregate classification (germline): Likely benign. Review status: criteria provided, multiple submitters, no conflicts (2 of 4 stars). 3 submissions from 3 submitters: Likely benign (2). 1 of the submissions does not count toward it. Last evaluated 2026-04-25.

Conditions:
ELP1-related disorder. Also called: ELP1-related condition.
Familial dysautonomia. Also called: HSAN III; FD. Identifiers: Orphanet 1764, MedGen C0013364, MONDO:0009131, OMIM 223900. Disease mechanism: loss of function.

Submissions (3):

PreventionGenetics, part of Exact Sciences
Classification: Likely benign for ELP1-related condition. Last evaluated: 2026-04-25. Review status: criteria provided, single submitter. Criteria: ACMG Guidelines, 2015. Collection method: clinical testing. Allele origin: germline.
Comment: This variant is classified as likely benign based on ACMG/AMP sequence variant interpretation guidelines (Richards et al. 2015 PMID: 25741868, with internal and published modifications).

Labcorp Genetics (formerly Invitae), Labcorp
Classification: Likely benign. Last evaluated: 2023-12-01. Review status: criteria provided, single submitter. Criteria: Invitae Variant Classification Sherloc (09022015). Collection method: clinical testing. Allele origin: germline.

Natera, Inc.
Classification: Likely benign for Familial dysautonomia. Last evaluated: 2020-02-07. Review status: no assertion criteria provided. Collection method: clinical testing. Allele origin: germline. Not counted in ClinVar's aggregate classification.

NM_003640.5(ELP1):c.2359T>C (p.Leu787=)

Gene: ELP1 (elongator acetyltransferase complex subunit 1; minus strand). Cytogenetic location: 9q31.3.
Variant type: single nucleotide variant.
Coding change: c.2359T>C on transcript NM_003640.5 (MANE Select); coding-DNA position 2359, T replaced by C.
Protein change: p.Leu787=; no amino-acid change (leucine 787 retained).
Molecular consequence: synonymous variant.
Genome position (GRCh38, 1-based): chr9:108,898,506, A>G on the plus strand (T>C on the coding strand, the complement: ELP1 is on the minus strand). VCF-style: chr9-108898506-A-G. GRCh37 (hg19) VCF-style: chr9-111660786-A-G.
Other names: c.2359T>C (LRG_251t1, NM_003640.4); c.2017T>C, p.Leu673= (NM_001318360.2); c.1312T>C, p.Leu438= (NM_001330749.2).
Identifiers: ClinVar variation 455959 (VCV000455959.12), dbSNP rs931451775, ClinGen allele CA197533903.